The following is an entry in ClinVar:

NM_007294.4(BRCA1):c.4831G>T (p.Ala1611Ser)

Gene: BRCA1 (BRCA1 DNA repair associated; minus strand). Cytogenetic location: 17q21.31.
Variant type: single nucleotide variant.
Coding change: c.4831G>T on transcript NM_007294.4 (MANE Select); coding-DNA position 4831, G replaced by T.
Protein change: p.Ala1611Ser; replaces alanine 1611 with serine.
Molecular consequence: missense variant. On other transcripts: non-coding transcript variant (1).
Genome position (GRCh38, 1-based): chr17:43,071,083, C>A on the plus strand (G>T on the coding strand, the complement: BRCA1 is on the minus strand). VCF-style: chr17-43071083-C-A. GRCh37 (hg19) VCF-style: chr17-41223100-C-A.
Other names: c.4894G>T, p.Ala1632Ser (NM_001407583.1, NM_001407585.1, NM_001407587.1 and 1 more transcripts); c.4891G>T, p.Ala1631Ser (NM_001407590.1, NM_001407591.1); c.4831G>T, p.Ala1611Ser (NM_001407593.1, NM_001407594.1, NM_001407596.1 and 8 more transcripts); c.4828G>T, p.Ala1610Ser (NM_001407612.1, NM_001407613.1, NM_001407614.1 and 17 more transcripts); c.4825G>T, p.Ala1609Ser (NM_001407631.1, NM_001407632.1, NM_001407637.1 and 14 more transcripts); c.4750G>T, p.Ala1584Ser (NM_001407656.1, NM_001407657.1, NM_001407658.1); c.4747G>T, p.Ala1583Ser (NM_001407661.1, NM_001407662.1, NM_001407659.1 and 2 more transcripts); c.4705G>T, p.Ala1569Ser (NM_001407672.1, NM_001407673.1, NM_001407674.1 and 11 more transcripts); and 70 more; short protein forms A1611S, A1564S, A1632S, A507S, A1457S, A1499S, A1522S, A1563S.
Identifiers: ClinVar variation 1500242 (VCV001500242.10), dbSNP rs2052400387, ClinGen allele CA10591858.

ClinVar aggregate classification (germline): Conflicting classifications of pathogenicity. Review status: criteria provided, conflicting classifications (1 of 4 stars). 3 submissions from 3 submitters: Uncertain significance (2); Likely benign (1). Last evaluated 2024-12-02.

Conditions:
Hereditary cancer-predisposing syndrome. Also called: Tumor predisposition; Hereditary neoplastic syndrome; Neoplastic Syndromes, Hereditary; Hereditary Cancer Syndrome. Identifiers: Orphanet 140162, MedGen C0027672, MeSH D009386, MONDO:0015356.
Hereditary breast ovarian cancer syndrome. Also called: BRCA1- and BRCA2-Associated Hereditary Breast and Ovarian Cancer; Hereditary breast and ovarian cancer; Hereditary breast and/or ovarian cancer syndrome; Hereditary breast and ovarian cancer syndrome; Hereditary breast and ovarian cancer syndrome (HBOC); Breast and ovarian cancer. Identifiers: Orphanet 145, MedGen C0677776, MeSH D061325, MONDO:0003582. Disease mechanism: loss of function.

Submissions (3):

Ambry Genetics
Classification: Likely benign for Hereditary cancer-predisposing syndrome. Last evaluated: 2024-12-02. Review status: criteria provided, single submitter. Criteria: Ambry Variant Classification Scheme 2023. Collection method: clinical testing. Allele origin: germline.

Color Diagnostics, LLC DBA Color Health
Classification: Uncertain significance for Hereditary cancer-predisposing syndrome. Last evaluated: 2022-03-18. Review status: criteria provided, single submitter. Criteria: ACMG Guidelines, 2015. Collection method: clinical testing. Allele origin: germline.
Comment: This missense variant replaces alanine with serine at codon 1611 of the BRCA1 protein. Computational prediction is inconclusive regarding the impact of this variant on protein structure and function (internally defined REVEL score threshold 0.5 < inconclusive < 0.7, PMID: 27666373). A functional study has reported that this variant does not impact BRCA1 function in a homology-directed DNA repair assay (PMID: 35196514). To our knowledge, this variant has not been reported in individuals affected with hereditary cancer in the literature. This variant has not been identified in the general population by the Genome Aggregation Database (gnomAD). The available evidence is insufficient to determine the role of this variant in disease conclusively. Therefore, this variant is classified as a Variant of Uncertain Significance.

Labcorp Genetics (formerly Invitae), Labcorp
Classification: Uncertain significance for Hereditary breast ovarian cancer syndrome. Last evaluated: 2021-11-22. Review status: criteria provided, single submitter. Criteria: Invitae Variant Classification Sherloc (09022015). Collection method: clinical testing. Allele origin: germline.
Comment: This sequence change replaces alanine, which is neutral and non-polar, with serine, which is neutral and polar, at codon 1611 of the BRCA1 protein (p.Ala1611Ser). This variant is not present in population databases (gnomAD no frequency). This variant has not been reported in the literature in individuals affected with BRCA1-related conditions. Advanced modeling of protein sequence and biophysical properties (such as structural, functional, and spatial information, amino acid conservation, physicochemical variation, residue mobility, and thermodynamic stability) performed at Invitae indicates that this missense variant is not expected to disrupt BRCA1 protein function. In summary, the available evidence is currently insufficient to determine the role of this variant in disease. Therefore, it has been classified as a Variant of Uncertain Significance.

Literature cited by the submitters: PubMed 35196514 (cited by Ambry Genetics and Color Diagnostics, LLC DBA Color Health).